The following is an entry in ClinVar:

ClinVar aggregate classification (germline): Uncertain significance (1 of 4 stars; one submission).

Submission:

Labcorp Genetics (formerly Invitae), Labcorp
Classification: Uncertain significance. Last evaluated: 2022-07-14. Review status: criteria provided, single submitter. Criteria: Invitae Variant Classification Sherloc (09022015). Collection method: clinical testing. Allele origin: germline.
Comment: In summary, the available evidence is currently insufficient to determine the role of this variant in disease. Therefore, it has been classified as a Variant of Uncertain Significance. This variant has not been reported in the literature in individuals affected with PRPF6-related conditions. This variant is not present in population databases (gnomAD no frequency). This sequence change creates a premature translational stop signal (p.Lys271Glnfs*20) in the PRPF6 gene. It is expected to result in an absent or disrupted protein product. However, the current clinical and genetic evidence is not sufficient to establish whether loss-of-function variants in PRPF6 cause disease.

NM_012469.4(PRPF6):c.810dup (p.Lys271fs)

Gene: PRPF6 (pre-mRNA processing factor 6; plus strand). Cytogenetic location: 20q13.33.
Variant type: Duplication.
Coding change: c.810dup on transcript NM_012469.4 (MANE Select); coding-DNA position 810, one base duplicated (C; older notation c.810dupC).
Protein change: p.Lys271fs; shifts the reading frame from lysine 271.
Molecular consequence: frameshift variant.
Genome position (GRCh38, 1-based): chr20:63,999,083, C duplicated; the last of 4 consecutive C bases (chr20:63,999,080-63,999,083); duplicating any one gives the same sequence. VCF-style (leftmost placement, unchanged base first): chr20-63999079-A-AC. GRCh37 (hg19) VCF-style: chr20-62630432-A-AC.
Other names: short protein forms K271fs.
Identifiers: ClinVar variation 2016969 (VCV002016969.4), dbSNP rs2517622084, ClinGen allele CA2580098490.